The following is an entry in ClinVar:

NM_033026.6(PCLO):c.14189C>T (p.Pro4730Leu)

Gene: PCLO (piccolo presynaptic cytomatrix protein; minus strand). Cytogenetic location: 7q21.11.
Variant type: single nucleotide variant.
Coding change: c.14189C>T on transcript NM_033026.6 (MANE Select); coding-DNA position 14189, C replaced by T.
Protein change: p.Pro4730Leu; replaces proline 4730 with leucine.
Molecular consequence: missense variant.
Genome position (GRCh38, 1-based): chr7:82,838,251, G>A on the plus strand (C>T on the coding strand, the complement: PCLO is on the minus strand). VCF-style: chr7-82838251-G-A. GRCh37 (hg19) VCF-style: chr7-82467567-G-A.
Other names: c.14189C>T, p.Pro4730Leu (NM_014510.3); c.14189C>T (NM_033026.5); short protein forms P4730L.
Identifiers: ClinVar variation 1405857 (VCV001405857.6), dbSNP rs746941270, ClinGen allele CA4318909.

ClinVar aggregate classification (germline): Uncertain significance. Review status: criteria provided, multiple submitters, no conflicts (2 of 4 stars). 2 submissions from 2 submitters: Uncertain significance (2). Last evaluated 2024-04-24.

Conditions:
Inborn genetic diseases. Identifiers: MedGen C0950123, MeSH D030342.

Allele frequency attached by ClinVar (database versions not stated): gnomAD exomes 0.00001 and 0.00002; TOPMed 0.00001; ExAC 0.00003.
gnomAD v4.1: 9 of 1,599,520 alleles (0.00056%); highest among the groups gnomAD compares: Admixed American, 0.014%; no homozygotes.

Submissions (2):

Ambry Genetics
Classification: Uncertain significance for Inborn genetic diseases. Last evaluated: 2024-04-24. Review status: criteria provided, single submitter. Criteria: Ambry Variant Classification Scheme 2023. Collection method: clinical testing. Allele origin: germline.

Labcorp Genetics (formerly Invitae), Labcorp
Classification: Uncertain significance. Last evaluated: 2022-05-14. Review status: criteria provided, single submitter. Criteria: Invitae Variant Classification Sherloc (09022015). Collection method: clinical testing. Allele origin: germline.
Comment: This sequence change replaces proline, which is neutral and non-polar, with leucine, which is neutral and non-polar, at codon 4730 of the PCLO protein (p.Pro4730Leu). This variant is present in population databases (rs746941270, gnomAD 0.01%). This variant has not been reported in the literature in individuals affected with PCLO-related conditions. Algorithms developed to predict the effect of missense changes on protein structure and function are either unavailable or do not agree on the potential impact of this missense change (SIFT: "Deleterious"; PolyPhen-2: "Not Available"; Align-GVGD: "Class C0"). In summary, the available evidence is currently insufficient to determine the role of this variant in disease. Therefore, it has been classified as a Variant of Uncertain Significance.